The following is an entry in ClinVar:

NM_002796.3(PSMB4):c.721G>C (p.Gly241Arg)

Gene: PSMB4 (proteasome 20S subunit beta 4; plus strand). Cytogenetic location: 1q21.3.
Variant type: single nucleotide variant.
Coding change: c.721G>C on transcript NM_002796.3 (MANE Select); coding-DNA position 721, G replaced by C.
Protein change: p.Gly241Arg; replaces glycine 241 with arginine.
Molecular consequence: missense variant.
Genome position (GRCh38, 1-based): chr1:151,401,569, G>C. VCF-style: chr1-151401569-G-C. GRCh37 (hg19) VCF-style: chr1-151374045-G-C.
Other names: c.721G>C (NM_002796.2); short protein forms G241R.
Identifiers: ClinVar variation 2419400 (VCV002419400.11), dbSNP rs374028323, ClinGen allele CA1090782.

ClinVar aggregate classification (germline): Uncertain significance. Review status: criteria provided, multiple submitters, no conflicts (2 of 4 stars). 3 submissions from 3 submitters: Uncertain significance (3). Last evaluated 2025-09-26.

Allele frequency attached by ClinVar (database versions not stated): ESP Exome Variant Server 0.00008.
gnomAD v4.1: 59 of 1,612,586 alleles (0.0037%); highest among the groups gnomAD compares: East Asian, 0.018%; no homozygotes.

Submissions (3):

Ambry Genetics
Classification: Uncertain significance. Last evaluated: 2025-09-26. Review status: criteria provided, single submitter. Criteria: Ambry Variant Classification Scheme 2023. Collection method: clinical testing. Allele origin: germline.

Labcorp Genetics (formerly Invitae), Labcorp
Classification: Uncertain significance. Last evaluated: 2025-07-30. Review status: criteria provided, single submitter. Criteria: Invitae Variant Classification Sherloc (09022015). Collection method: clinical testing. Allele origin: germline.
Comment: This sequence change replaces glycine, which is neutral and non-polar, with arginine, which is basic and polar, at codon 241 of the PSMB4 protein (p.Gly241Arg). This variant is present in population databases (rs374028323, gnomAD 0.01%). This variant has not been reported in the literature in individuals affected with PSMB4-related conditions. ClinVar contains an entry for this variant (Variation ID: 2419400). An algorithm developed to predict the effect of missense changes on protein structure and function (PolyPhen-2) suggests that this variant is likely to be disruptive. In summary, the available evidence is currently insufficient to determine the role of this variant in disease. Therefore, it has been classified as a Variant of Uncertain Significance.

Blueprint Genetics
Classification: Uncertain significance. Last evaluated: 2024-11-13. Review status: criteria provided, single submitter. Criteria: ACMG Guidelines, 2015. Collection method: clinical testing. Allele origin: germline.